The following is an entry in ClinVar:

ClinVar aggregate classification (germline): Uncertain significance (1 of 4 stars; one submission).

Submission:

Labcorp Genetics (formerly Invitae), Labcorp
Classification: Uncertain significance. Last evaluated: 2019-03-20. Review status: criteria provided, single submitter. Criteria: Invitae Variant Classification Sherloc (09022015). Collection method: clinical testing. Allele origin: germline.
Comment: In summary, the available evidence is currently insufficient to determine the role of this variant in disease. Therefore, it has been classified as a Variant of Uncertain Significance. Algorithms developed to predict the effect of missense changes on protein structure and function are either unavailable or do not agree on the potential impact of this missense change (SIFT: "Tolerated"; PolyPhen-2: "Not available"; Align-GVGD: "Class C0"). This variant has not been reported in the literature in individuals with SZT2-related conditions. This variant is not present in population databases (ExAC no frequency). This sequence change replaces serine with proline at codon 1599 of the SZT2 protein (p.Ser1599Pro). The serine residue is moderately conserved and there is a moderate physicochemical difference between serine and proline.

NM_001365999.1(SZT2):c.4965_4966delinsGC (p.Ser1656Pro)

Gene: SZT2 (SZT2 subunit of KICSTOR complex; plus strand). Cytogenetic location: 1p34.2.
Variant type: Indel.
Coding change: c.4965_4966delinsGC on transcript NM_001365999.1 (MANE Select); coding-DNA positions 4965 to 4966, AT replaced by GC.
Protein change: p.Ser1656Pro; replaces serine 1656 with proline.
Molecular consequence: missense variant.
Genome position (GRCh38, 1-based): chr1:43,431,313-43,431,314, AT replaced by GC. VCF-style: chr1-43431313-AT-GC. GRCh37 (hg19) VCF-style: chr1-43896984-AT-GC.
Other names: c.4794_4795delinsGC, p.Ser1599Pro (NM_015284.4); short protein forms S1599P, S1656P.
Identifiers: ClinVar variation 842665 (VCV000842665.8), dbSNP rs1653841980, ClinGen allele CA916082018.
Genomic context (GRCh38, chr1:43,431,313, plus strand): 5'-CACCCTGTTCAGGTCAACATCTGAAAGCAGTGCTTCATTTCCACGATCCCCAGGGCAGCC[AT>GC]CATCTTTAAGGTCAGATGATGGCCTCGGGCCCCCACTGCCACCCCCAGAAGAGGAGAGGT-3'
Protein context (NP_001352928.1, residues 1646-1666): ASFPRSPGQP[Ser1656Pro]SLRSDDGLGP